The following is an entry in ClinVar:

NM_002139.4(RBMX):c.959A>G (p.Tyr320Cys)

Genes: RBMX (RNA binding motif protein X-linked; minus strand), LOC126863330 (MED14-independent group 3 enhancer GRCh37_chrX:135956167-135957366; plus strand). Cytogenetic location: Xq26.3.
Variant type: single nucleotide variant.
Coding change: c.959A>G on transcript NM_002139.4 (MANE Select); coding-DNA position 959, A replaced by G.
Protein change: p.Tyr320Cys; replaces tyrosine 320 with cysteine.
Molecular consequence: missense variant. On other transcripts: non-coding transcript variant (2), intron variant (1).
Genome position (GRCh38, 1-based): chrX:136,874,359, T>C on the plus strand (A>G on the coding strand, the complement: RBMX is on the minus strand). VCF-style: chrX-136874359-T-C. GRCh37 (hg19) VCF-style: chrX-135956518-T-C.
Other names: c.540+727A>G (NM_001164803.2); short protein forms Y320C.
Identifiers: ClinVar variation 4538242 (VCV004538242.1).

ClinVar aggregate classification (germline): Uncertain significance (1 of 4 stars; one submission).

gnomAD v4.1: 1 of 1,212,435 alleles (0.000082%); highest among the groups gnomAD compares: African/African-American, 0.0017%; no homozygotes.

Submission:

Greenwood Genetic Center Diagnostic Laboratories, Greenwood Genetic Center
Classification: Uncertain significance. Last evaluated: 2025-05-16. Review status: criteria provided, single submitter. Criteria: ACMG Guidelines, 2015. Collection method: clinical testing. Allele origin: germline. Affected: yes.
Comment: PM2, PP3